The following is an entry in ClinVar:

ClinVar aggregate classification (germline): Uncertain significance (1 of 4 stars; one submission).

Allele frequency attached by ClinVar (database versions not stated): TOPMed below 0.00001; gnomAD 0.00001.
gnomAD v4.1: 1 of 1,612,698 alleles (0.000062%); highest among the groups gnomAD compares: East Asian, 0.0022%; no homozygotes.

Submission:

GeneDx
Classification: Uncertain significance. Last evaluated: 2019-06-11. Review status: criteria provided, single submitter. Criteria: GeneDx Variant Classification Process June 2021. Collection method: clinical testing. Allele origin: germline. Affected: yes.
Comment: Not observed in large population cohorts (Lek et al., 2016); In silico analysis, which includes protein predictors and evolutionary conservation, supports that this variant does not alter protein structure/function; Has not been previously published as pathogenic or benign to our knowledge

NM_015378.4(VPS13D):c.7375T>C (p.Ser2459Pro)

Gene: VPS13D (vacuolar protein sorting 13 homolog D; plus strand). Cytogenetic location: 1p36.22.
Variant type: single nucleotide variant.
Coding change: c.7375T>C on transcript NM_015378.4 (MANE Select); coding-DNA position 7375, T replaced by C.
Protein change: p.Ser2459Pro; replaces serine 2459 with proline.
Molecular consequence: missense variant.
Genome position (GRCh38, 1-based): chr1:12,318,298, T>C. VCF-style: chr1-12318298-T-C. GRCh37 (hg19) VCF-style: chr1-12378355-T-C.
Other names: c.7375T>C, p.Ser2459Pro (NM_018156.4); short protein forms S2459P.
Identifiers: ClinVar variation 1306078 (VCV001306078.2), dbSNP rs1642943255, ClinGen allele CA338494094.
Genomic context (GRCh38, chr1:12,318,298, plus strand): 5'-GCTATAGTTCCCAAAACTGTGAAGAGTGGAGTAGTTACCAAGCGGTCTTCCCTTCCTGTG[T>C]CCAATGAAAGGCACCTGGAGGTCAAGGTCAATGTAACAGGTGATTATATGTGGGTGTGAT-3'
Protein context (NP_056193.2, residues 2449-2469): VVTKRSSLPV[Ser2459Pro]NERHLEVKVN